The following is an entry in ClinVar:

NM_004525.3(LRP2):c.6248A>T (p.His2083Leu)

Gene: LRP2 (LDL receptor related protein 2; minus strand). Cytogenetic location: 2q31.1.
Variant type: single nucleotide variant.
Coding change: c.6248A>T on transcript NM_004525.3 (MANE Select); coding-DNA position 6248, A replaced by T.
Protein change: p.His2083Leu; replaces histidine 2083 with leucine.
Molecular consequence: missense variant.
Genome position (GRCh38, 1-based): chr2:169,212,000, T>A on the plus strand (A>T on the coding strand, the complement: LRP2 is on the minus strand). VCF-style: chr2-169212000-T-A. GRCh37 (hg19) VCF-style: chr2-170068510-T-A.
Other names: short protein forms H2083L.
Identifiers: ClinVar variation 4701891 (VCV004701891.1).
Genomic context (GRCh38, chr2:169,212,000, plus strand): 5'-AATCTTACTTATATTGGAGTTGGCATACCTTGGCCTGCCACCGGCACCATGGTTTCTGAA[T>A]GATCTGACAATTCCAAGCTAAAGCCTCTGATTGCAGACAGCATTGAAACAACAATGAAAG-3'
Protein context (NP_004516.2, residues 2073-2093): IRGFSLELSD[His2083Leu]SETMVPVAGQ

ClinVar aggregate classification (germline): Uncertain significance (1 of 4 stars; one submission).

Submission:

Labcorp Genetics (formerly Invitae), Labcorp
Classification: Uncertain significance. Last evaluated: 2025-04-02. Review status: criteria provided, single submitter. Criteria: Invitae Variant Classification Sherloc (09022015). Collection method: clinical testing. Allele origin: germline.
Comment: This sequence change replaces histidine, which is basic and polar, with leucine, which is neutral and non-polar, at codon 2083 of the LRP2 protein (p.His2083Leu). This variant is not present in population databases (gnomAD no frequency). This variant has not been reported in the literature in individuals affected with LRP2-related conditions. Invitae Evidence Modeling of protein sequence and biophysical properties (such as structural, functional, and spatial information, amino acid conservation, physicochemical variation, residue mobility, and thermodynamic stability) indicates that this missense variant is not expected to disrupt LRP2 protein function with a negative predictive value of 80%. In summary, the available evidence is currently insufficient to determine the role of this variant in disease. Therefore, it has been classified as a Variant of Uncertain Significance.